The following is an entry in ClinVar:

ClinVar aggregate classification (germline): Conflicting classifications of pathogenicity. Review status: criteria provided, conflicting classifications (1 of 4 stars). 3 submissions from 3 submitters: Uncertain significance (2); Benign (1). Last evaluated 2023-10-10.

Conditions:
Kabuki syndrome 1 (KABUK1). Also called: KMT2D-Related Kabuki Syndrome. Identifiers: Orphanet 2322, MedGen CN030661, MONDO:0007843, OMIM 147920.
Choanal atresia-athelia-hypothyroidism-delayed puberty-short stature syndrome (BCAHH). Also called: BRANCHIAL ARCH ABNORMALITIES, CHOANAL ATRESIA, ATHELIA, HEARING LOSS, AND HYPOTHYROIDISM SYNDROME. Identifiers: Orphanet 589856, MedGen C5680310, MONDO:0035651, OMIM 620186.
Kabuki syndrome. Also called: NIIKAWA-KUROKI SYNDROME; Kabuki make-up syndrome. Identifiers: Orphanet 2322, MedGen C0796004, MONDO:0016512.

Allele frequency attached by ClinVar (database versions not stated): gnomAD 0.00001; TOPMed 0.00001; ExAC 0.00002; gnomAD exomes 0.00002.
gnomAD v4.1: 16 of 1,613,738 alleles (0.00099%); highest among the groups gnomAD compares: East Asian, 0.0067%; no homozygotes.

Submissions (3):

Labcorp Genetics (formerly Invitae), Labcorp
Classification: Benign for Kabuki syndrome. Last evaluated: 2023-10-10. Review status: criteria provided, single submitter. Criteria: Invitae Variant Classification Sherloc (09022015). Collection method: clinical testing. Allele origin: germline.

New York Genome Center
Classification: Uncertain significance for Kabuki syndrome 1. Last evaluated: 2020-09-23. Review status: criteria provided, single submitter. Criteria: NYGC Assertion Criteria 2020. Collection method: clinical testing. Allele origin: germline. Observed: 1 heterozygote. Study: CSER-NYCKidSeq.

Juno Genomics, Hangzhou Juno Genomics, Inc
Classification: Uncertain significance for Choanal atresia-athelia-hypothyroidism-delayed puberty-short stature syndrome; Kabuki syndrome 1. Review status: criteria provided, single submitter. Criteria: ACMG Guidelines, 2015. Collection method: clinical testing. Allele origin: germline.
Comment: Absent from controls (or at extremely low frequency if recessive) in Genome Aggregation Database.;Missense variant in a gene that has a low rate of benign missense variation.

NM_003482.4(KMT2D):c.4942G>A (p.Asp1648Asn)

Gene: KMT2D (lysine methyltransferase 2D; minus strand). Cytogenetic location: 12q13.12.
Variant type: single nucleotide variant.
Coding change: c.4942G>A on transcript NM_003482.4 (MANE Select); coding-DNA position 4942, G replaced by A.
Protein change: p.Asp1648Asn; replaces aspartic acid 1648 with asparagine.
Molecular consequence: missense variant.
Genome position (GRCh38, 1-based): chr12:49,044,765, C>T on the plus strand (G>A on the coding strand, the complement: KMT2D is on the minus strand). VCF-style: chr12-49044765-C-T. GRCh37 (hg19) VCF-style: chr12-49438548-C-T.
Other names: short protein forms D1648N.
Identifiers: ClinVar variation 1213708 (VCV001213708.8), dbSNP rs779260688, ClinGen allele CA6547681.